The following is an entry in ClinVar:

NM_015450.3(POT1):c.1864T>C (p.Tyr622His)

Gene: POT1 (protection of telomeres 1; minus strand). Cytogenetic location: 7q31.33.
Variant type: single nucleotide variant.
Coding change: c.1864T>C on transcript NM_015450.3 (MANE Select); coding-DNA position 1864, T replaced by C.
Protein change: p.Tyr622His; replaces tyrosine 622 with histidine.
Molecular consequence: missense variant. On other transcripts: non-coding transcript variant (3).
Genome position (GRCh38, 1-based): chr7:124,824,003, A>G on the plus strand (T>C on the coding strand, the complement: POT1 is on the minus strand). VCF-style: chr7-124824003-A-G. GRCh37 (hg19) VCF-style: chr7-124464057-A-G.
Other names: c.1471T>C, p.Tyr491His (NM_001042594.2); short protein forms Y622H, Y491H.
Identifiers: ClinVar variation 541877 (VCV000541877.12), dbSNP rs188854542, ClinGen allele CA4464955.

ClinVar aggregate classification (germline): Uncertain significance. Review status: criteria provided, multiple submitters, no conflicts (2 of 4 stars). 4 submissions from 4 submitters: Uncertain significance (4). Last evaluated 2025-12-21.

Conditions:
Tumor predisposition syndrome 3 (TPDS3). Also called: Glioma susceptibility 9; LONG TELOMERE SYNDROME, POT1-RELATED; POT1 Tumor Predisposition; Melanoma, cutaneous malignant, susceptibility to, 10. Identifiers: Orphanet 618, MedGen C4014476, MONDO:0014368, OMIM 615848.
Hereditary cancer-predisposing syndrome. Also called: Hereditary Cancer Syndrome; Neoplastic Syndromes, Hereditary; Hereditary neoplastic syndrome; Tumor predisposition. Identifiers: Orphanet 140162, MedGen C0027672, MeSH D009386, MONDO:0015356.

Allele frequency attached by ClinVar (database versions not stated): gnomAD exomes 0.00002 and below 0.00001; 1000 Genomes Project 0.00040; 1000 Genomes Project 30x 0.00078; gnomAD 0.00001; TOPMed 0.00001; ExAC 0.00002.
gnomAD v4.1: 5 of 1,606,468 alleles (0.00031%); highest among the groups gnomAD compares: Admixed American, 0.005%; 1 homozygote.

Submissions (4):

Labcorp Genetics (formerly Invitae), Labcorp
Classification: Uncertain significance for Tumor predisposition syndrome 3. Last evaluated: 2025-12-21. Review status: criteria provided, single submitter. Criteria: Invitae Variant Classification Sherloc (09022015). Collection method: clinical testing. Allele origin: germline.
Comment: This sequence change replaces tyrosine, which is neutral and polar, with histidine, which is basic and polar, at codon 622 of the POT1 protein (p.Tyr622His). This variant is present in population databases (rs188854542, gnomAD 0.006%). This variant has not been reported in the literature in individuals affected with POT1-related conditions. ClinVar contains an entry for this variant (Variation ID: 541877). Invitae Evidence Modeling of protein sequence and biophysical properties (such as structural, functional, and spatial information, amino acid conservation, physicochemical variation, residue mobility, and thermodynamic stability) indicates that this missense variant is not expected to disrupt POT1 protein function with a negative predictive value of 80%. In summary, the available evidence is currently insufficient to determine the role of this variant in disease. Therefore, it has been classified as a Variant of Uncertain Significance.

Ambry Genetics
Classification: Uncertain significance for Hereditary cancer-predisposing syndrome. Last evaluated: 2024-04-27. Review status: criteria provided, single submitter. Criteria: Ambry Variant Classification Scheme 2023. Collection method: clinical testing. Allele origin: germline.
Comment: The p.Y622H variant (also known as c.1864T>C), located in coding exon 15 of the POT1 gene, results from a T to C substitution at nucleotide position 1864. The tyrosine at codon 622 is replaced by histidine, an amino acid with similar properties. This amino acid position is highly conserved in available vertebrate species. In addition, this alteration is predicted to be deleterious by in silico analysis. Since supporting evidence is limited at this time, the clinical significance of this alteration remains unclear.

GeneDx
Classification: Uncertain significance. Last evaluated: 2024-02-28. Review status: criteria provided, single submitter. Criteria: GeneDx Variant Classification Process June 2021. Collection method: clinical testing. Allele origin: germline. Affected: yes.
Comment: Not observed at significant frequency in large population cohorts (gnomAD); In silico analysis supports that this missense variant has a deleterious effect on protein structure/function; Has not been previously published as pathogenic or benign to our knowledge; This variant is associated with the following publications: (PMID: 28393830, 30556179)

Quest Diagnostics Nichols Institute San Juan Capistrano
Classification: Uncertain significance. Last evaluated: 2023-09-15. Review status: criteria provided, single submitter. Criteria: Quest Diagnostics criteria. Collection method: clinical testing. Allele origin: unknown.
Comment: This variant has not been reported in individuals with POT1-related conditions in the published literature. The frequency of this variant in the general population, 0.000016 (4/248552 chromosomes (Genome Aggregation Database)), is uninformative in the assessment of its pathogenicity. Analysis of this variant using bioinformatics tools for the prediction of the effect of amino acid changes on protein structure and function yielded conflicting predictions that this variant is benign or damaging. Based on the available information, we are unable to determine the clinical significance of this variant.

Literature cited by the submitters: PubMed 30556179 (cited by Quest Diagnostics Nichols Institute San Juan Capistrano).